The following is an entry in ClinVar:

ClinVar aggregate classification (germline): Pathogenic (1 of 4 stars; one submission).

Conditions:
Myopathy caused by variation in POMGNT1. Identifiers: MedGen CN305639, MONDO:0700068.

Submission:

Myriad Genetics, Inc.
Classification: Pathogenic for Myopathy caused by variation in POMGNT1. Last evaluated: 2025-02-06. Review status: criteria provided, single submitter. Criteria: Myriad Autosomal Dominant, Autosomal Recessive and X-Linked Classification Criteria (2023). Collection method: clinical testing. Allele origin: unknown.
Comment: NM_017739.3(POMGNT1):c.1451_1452ins5(R486Nfs*25) is expected to be pathogenic in the context of POMGNT1-related disorders. This variant is predicted to lead to an abnormal or absent protein product due to the creation of a premature termination codon in POMGNT1, a gene where loss-of-function variants are known to be pathogenic. Please note: this variant was assessed in the context of healthy population screening.

NM_017739.4(POMGNT1):c.1451_1452insGAGGA (p.Arg486fs)

Genes: TSPAN1 (tetraspanin 1; plus strand), POMGNT1 (protein O-linked mannose N-acetylglucosaminyltransferase 1 (beta 1,2-); minus strand). Cytogenetic location: 1p34.1.
Variant type: Insertion.
Coding change: c.1451_1452insGAGGA on transcript NM_017739.4 (MANE Select); coding-DNA positions 1451 to 1452, GAGGA inserted.
Protein change: p.Arg486fs; shifts the reading frame from arginine 486.
Molecular consequence: frameshift variant.
Genome position: GRCh38 VCF-style: chr1-46192185-T-TTCCTC. GRCh37 (hg19) VCF-style: chr1-46657857-T-TTCCTC.
Other names: c.1451_1452insGAGGA, p.Arg486fs (NM_001243766.2, NM_001410783.1, NM_001437653.1 and 3 more transcripts); c.1385_1386insGAGGA, p.Arg464fs (NM_001290129.3, NM_001438691.1, NM_001438692.1); c.1022_1023insGAGGA, p.Arg343fs (NM_001290130.2); short protein forms R343fs, R464fs, R486fs.
Identifiers: ClinVar variation 5014064 (VCV005014064.1).